The following is an entry in ClinVar:

NM_144997.7(FLCN):c.787_789dup (p.Lys263_Ala264insLys)

Gene: FLCN (folliculin; minus strand). Cytogenetic location: 17p11.2.
Variant type: Duplication.
Coding change: c.787_789dup on transcript NM_144997.7 (MANE Select); coding-DNA positions 787 to 789, 3 bases duplicated (AAG; older notation c.787_789dupAAG).
Protein change: p.Lys263_Ala264insLys.
Genome position (GRCh38, 1-based): chr17:17,221,619-17,221,621, CTT duplicated on the plus strand (AAG on the coding strand, the reverse complement: FLCN is on the minus strand); duplicating any 3 consecutive bases within chr17:17,221,619-17,221,622 gives the same sequence; the c. name uses the placement nearest the transcript's 3' end. VCF-style (leftmost placement, unchanged base first): chr17-17221618-C-CCTT. GRCh37 (hg19) VCF-style: chr17-17124932-C-CCTT.
Other names: c.841_843dup, p.Lys281_Ala282insLys (NM_001353229.2); c.787_789dup, p.Lys263_Ala264insLys (NM_001353230.2, NM_001353231.2, NM_144606.7).
Identifiers: ClinVar variation 3572324 (VCV003572324.1).

ClinVar aggregate classification (germline): Uncertain significance (1 of 4 stars; one submission).

Submission:

Quest Diagnostics Nichols Institute San Juan Capistrano
Classification: Uncertain significance. Last evaluated: 2023-12-12. Review status: criteria provided, single submitter. Criteria: Quest Diagnostics criteria. Collection method: clinical testing. Allele origin: unknown.
Comment: The FLCN c.787_789del (p.Lys263del) variant has not been reported in individuals with FLCN-related conditions in the published literature. It also has not been reported in large, multi-ethnic general populations (Genome Aggregation Database). Based on the available information, we are unable to determine the clinical significance of this variant.